The following is an entry in ClinVar:

ClinVar aggregate classification (germline): Uncertain significance (1 of 4 stars; one submission).

Conditions:
Developmental and epileptic encephalopathy, 14 (DEE14). Also called: Early infantile epileptic encephalopathy 14. Identifiers: Orphanet 293181, MedGen C3554195, MONDO:0013989, OMIM 614959.

Submission:

MVZ Medizinische Genetik Mainz
Classification: Uncertain significance for Developmental and epileptic encephalopathy, 14. Last evaluated: 2026-08-31. Review status: criteria provided, single submitter. Criteria: UK Practice Guidelines For Variant Classification V4 01 2020. Collection method: clinical testing. Allele origin: germline. Inheritance: Autosomal dominant inheritance. Affected: yes. Observed: 1 variant allele.
Comment: ACMG Criteria: PM2_SUP,PM4_SUP,PP3

NM_020822.3(KCNT1):c.908CCT[1] (p.Ser304del)

Gene: KCNT1 (potassium sodium-activated channel subfamily T member 1; plus strand). Cytogenetic location: 9q34.3.
Variant type: Microsatellite.
Coding change: c.908CCT[1] on transcript NM_020822.3 (MANE Select); one copy of the 3-base unit CCT starting at c.908; the reference has two copies in a row; one copy, 3 bases deleted.
Protein change: p.Ser304del; deletes serine 304.
Molecular consequence: inframe deletion.
Genome position (GRCh38, 1-based): chr9:135,759,735-135,759,737, CCT deleted; deleting any 3 consecutive bases within chr9:135,759,732-135,759,737 gives the same sequence; the position shown is the placement nearest the transcript's 3' end. VCF-style (leftmost placement, unchanged base first): chr9-135759731-ACCT-A. GRCh37 (hg19) VCF-style: chr9-138651577-ACCT-A.
Other names: c.773CCT[1], p.Ser259del (NM_001272003.2); short protein forms S259del, S304del.
Identifiers: ClinVar variation 5038140 (VCV005038140.1).